The following is an entry in ClinVar:

NM_000155.4(GALT):c.1031A>G (p.Gln344Arg)

Gene: GALT (galactose-1-phosphate uridylyltransferase; plus strand). Cytogenetic location: 9p13.3.
Variant type: single nucleotide variant.
Coding change: c.1031A>G on transcript NM_000155.4 (MANE Select); coding-DNA position 1031, A replaced by G.
Protein change: p.Gln344Arg; replaces glutamine 344 with arginine.
Molecular consequence: missense variant.
Genome position (GRCh38, 1-based): chr9:34,649,536, A>G. VCF-style: chr9-34649536-A-G. GRCh37 (hg19) VCF-style: chr9-34649533-A-G.
Other names: c.704A>G, p.Gln235Arg (NM_001258332.2); short protein forms Q344R, Q235R.
Identifiers: ClinVar variation 3650087 (VCV003650087.2).
Genomic context (GRCh38, chr9:34,649,536, plus strand): 5'-CTCCGCTCCTGCGCTCTGCCACTGTCCGGAAATTCATGGTTGGCTACGAAATGCTTGCTC[A>G]GGCTCAGAGGGACCTCACCCCTGAGCAGGTCAGGACTCAGAACAGTCTGGCGTCTCCAGA-3'
Protein context (NP_000146.2, residues 334-354): KFMVGYEMLA[Gln344Arg]AQRDLTPEQA

ClinVar aggregate classification (germline): Uncertain significance (1 of 4 stars; one submission).

Conditions:
Deficiency of UDPglucose-hexose-1-phosphate uridylyltransferase. Also called: GALACTOSEMIA I; GALACTOSE-1-PHOSPHATE URIDYLYLTRANSFERASE DEFICIENCY; GALT deficiency; Galactosemia, classic; Transferase Deficiency Galactosemia. Identifiers: Orphanet 352, Orphanet 79239, MedGen C0268151, MONDO:0009258, OMIM 230400.

Submission:

Labcorp Genetics (formerly Invitae), Labcorp
Classification: Uncertain significance for Deficiency of UDPglucose-hexose-1-phosphate uridylyltransferase. Last evaluated: 2024-04-16. Review status: criteria provided, single submitter. Criteria: Invitae Variant Classification Sherloc (09022015). Collection method: clinical testing. Allele origin: germline.
Comment: This sequence change replaces glutamine, which is neutral and polar, with arginine, which is basic and polar, at codon 344 of the GALT protein (p.Gln344Arg). This variant is not present in population databases (gnomAD no frequency). This variant has not been reported in the literature in individuals affected with GALT-related conditions. Advanced modeling of protein sequence and biophysical properties (such as structural, functional, and spatial information, amino acid conservation, physicochemical variation, residue mobility, and thermodynamic stability) performed at Invitae indicates that this missense variant is expected to disrupt GALT protein function with a positive predictive value of 80%. This variant disrupts the p.Gly344 amino acid residue in GALT. Other variant(s) that disrupt this residue have been determined to be pathogenic (PMID: 11397328, 11754113; Invitae). This suggests that this residue is clinically significant, and that variants that disrupt this residue are likely to be disease-causing. In summary, the available evidence is currently insufficient to determine the role of this variant in disease. Therefore, it has been classified as a Variant of Uncertain Significance.

Literature cited by the submitters: PubMed 11397328; PubMed 11754113.